The following is an entry in ClinVar:

ClinVar aggregate classification (germline): Uncertain significance (1 of 4 stars; one submission).

Allele frequency attached by ClinVar (database versions not stated): gnomAD 0.00001; gnomAD exomes 0.00001; TOPMed 0.00001; ExAC 0.00002.
gnomAD v4.1: 10 of 1,614,126 alleles (0.00062%); highest among the groups gnomAD compares: Admixed American, 0.013%; no homozygotes.

Submission:

Labcorp Genetics (formerly Invitae), Labcorp
Classification: Uncertain significance. Last evaluated: 2022-05-06. Review status: criteria provided, single submitter. Criteria: Invitae Variant Classification Sherloc (09022015). Collection method: clinical testing. Allele origin: germline.
Comment: In summary, the available evidence is currently insufficient to determine the role of this variant in disease. Therefore, it has been classified as a Variant of Uncertain Significance. Algorithms developed to predict the effect of missense changes on protein structure and function output the following: SIFT: "Tolerated"; PolyPhen-2: "Benign"; Align-GVGD: "Class C0". The asparagine amino acid residue is found in multiple mammalian species, which suggests that this missense change does not adversely affect protein function. This variant has not been reported in the literature in individuals affected with TRAIP-related conditions. This variant is present in population databases (rs747364226, gnomAD 0.02%). This sequence change replaces threonine, which is neutral and polar, with asparagine, which is neutral and polar, at codon 465 of the TRAIP protein (p.Thr465Asn).

NM_005879.3(TRAIP):c.1394C>A (p.Thr465Asn)

Gene: TRAIP (TRAF interacting protein; minus strand). Cytogenetic location: 3p21.31.
Variant type: single nucleotide variant.
Coding change: c.1394C>A on transcript NM_005879.3 (MANE Select); coding-DNA position 1394, C replaced by A.
Protein change: p.Thr465Asn; replaces threonine 465 with asparagine.
Molecular consequence: missense variant.
Genome position (GRCh38, 1-based): chr3:49,829,119, G>T on the plus strand (C>A on the coding strand, the complement: TRAIP is on the minus strand). VCF-style: chr3-49829119-G-T. GRCh37 (hg19) VCF-style: chr3-49866552-G-T.
Other names: short protein forms T465N.
Identifiers: ClinVar variation 2173888 (VCV002173888.4), dbSNP rs747364226, ClinGen allele CA2407503.
Genomic context (GRCh38, chr3:49,829,119, plus strand): 5'-CAAGTTGCAGGCATGTGTCTGGCCATTGGTCAGACTCACTGTTCTCACGACCACAGGAAG[G>T]TGTCCAGCTTGGCCTGGAAGAGAGAAGGCACTGTCTTCACCCTCACCCTCTGCTTAACCT-3'
Protein context (NP_005870.2, residues 455-469): VPSLFQAKLD[Thr465Asn]FLWS